The following is an entry in ClinVar:

NM_002691.4(POLD1):c.1691T>G (p.Met564Arg)

Gene: POLD1 (DNA polymerase delta 1, catalytic subunit; plus strand). Cytogenetic location: 19q13.33.
Variant type: single nucleotide variant.
Coding change: c.1691T>G on transcript NM_002691.4 (MANE Select); coding-DNA position 1691, T replaced by G.
Protein change: p.Met564Arg; replaces methionine 564 with arginine.
Molecular consequence: missense variant. On other transcripts: non-coding transcript variant (1).
Genome position (GRCh38, 1-based): chr19:50,407,331, T>G. VCF-style: chr19-50407331-T-G. GRCh37 (hg19) VCF-style: chr19-50910588-T-G.
Other names: c.1691T>G (NM_002691.2); c.1691T>G, p.Met564Arg (NM_001256849.1, NM_001308632.1); short protein forms M564R.
Identifiers: ClinVar variation 439253 (VCV000439253.20), dbSNP rs748444470, ClinGen allele CA9596233.

ClinVar aggregate classification (germline): Uncertain significance. Review status: criteria provided, multiple submitters, no conflicts (2 of 4 stars). 5 submissions from 5 submitters: Uncertain significance (5). Last evaluated 2025-03-19.

Conditions:
POLD1-related polyposis and colorectal cancer syndrome (CRCS10). Also called: Colorectal cancer 10; COLORECTAL CANCER, SUSCEPTIBILITY TO, ON CHROMOSOME 19q; Colorectal cancer, susceptibility to, 10. Identifiers: Orphanet 220460, MedGen C2675481, MONDO:0012953, OMIM 612591.
Hereditary cancer-predisposing syndrome. Also called: Neoplastic Syndromes, Hereditary; Hereditary neoplastic syndrome; Tumor predisposition; Hereditary Cancer Syndrome. Identifiers: Orphanet 140162, MedGen C0027672, MeSH D009386, MONDO:0015356.

Allele frequency attached by ClinVar (database versions not stated): gnomAD 0.00001; gnomAD exomes 0.00001; TOPMed 0.00001; ExAC 0.00002.
gnomAD v4.1: 8 of 1,612,048 alleles (0.0005%); highest among the groups gnomAD compares: Non-Finnish European, 0.00059%; no homozygotes.

Submissions (5):

Labcorp Genetics (formerly Invitae), Labcorp
Classification: Uncertain significance for POLD1-related polyposis and colorectal cancer syndrome. Last evaluated: 2025-03-19. Review status: criteria provided, single submitter. Criteria: Invitae Variant Classification Sherloc (09022015). Collection method: clinical testing. Allele origin: germline.
Comment: This sequence change replaces methionine, which is neutral and non-polar, with arginine, which is basic and polar, at codon 564 of the POLD1 protein (p.Met564Arg). This variant is present in population databases (rs748444470, gnomAD 0.002%). This variant has not been reported in the literature in individuals affected with POLD1-related conditions. ClinVar contains an entry for this variant (Variation ID: 439253). Invitae Evidence Modeling of protein sequence and biophysical properties (such as structural, functional, and spatial information, amino acid conservation, physicochemical variation, residue mobility, and thermodynamic stability) indicates that this missense variant is not expected to disrupt POLD1 protein function with a negative predictive value of 80%. In summary, the available evidence is currently insufficient to determine the role of this variant in disease. Therefore, it has been classified as a Variant of Uncertain Significance.

Center for Genomic Medicine, Rigshospitalet, Copenhagen University Hospital
Classification: Uncertain significance. Last evaluated: 2025-03-04. Review status: criteria provided, single submitter. Criteria: ACMG Guidelines, 2015. Collection method: clinical testing. Allele origin: germline.

Ambry Genetics
Classification: Uncertain significance for Hereditary cancer-predisposing syndrome. Last evaluated: 2024-03-02. Review status: criteria provided, single submitter. Criteria: Ambry Variant Classification Scheme 2023. Collection method: clinical testing. Allele origin: germline.
Comment: The p.M564R variant (also known as c.1691T>G), located in coding exon 13 of the POLD1 gene, results from a T to G substitution at nucleotide position 1691. The methionine at codon 564 is replaced by arginine, an amino acid with similar properties. This amino acid position is conserved. In addition, this alteration is predicted to be tolerated by in silico analysis. Since supporting evidence is limited at this time, the clinical significance of this alteration remains unclear.

GeneDx
Classification: Uncertain significance. Last evaluated: 2021-10-28. Review status: criteria provided, single submitter. Criteria: GeneDx Variant Classification Process June 2021. Collection method: clinical testing. Allele origin: germline. Affected: yes.
Comment: Not observed at significant frequency in large population cohorts (Lek 2016); In silico analysis supports that this missense variant does not alter protein structure/function; Has not been previously published as pathogenic or benign to our knowledge

Quest Diagnostics Nichols Institute San Juan Capistrano
Classification: Uncertain significance. Last evaluated: 2017-06-16. Review status: criteria provided, single submitter. Criteria: Quest Diagnostics criteria. Collection method: clinical testing. Allele origin: germline.